The following is an entry in ClinVar:

NM_005535.3(IL12RB1):c.387G>C (p.Val129=)

Gene: IL12RB1 (interleukin 12 receptor subunit beta 1; minus strand). Cytogenetic location: 19p13.11.
Variant type: single nucleotide variant.
Coding change: c.387G>C on transcript NM_005535.3 (MANE Select); coding-DNA position 387, G replaced by C.
Protein change: p.Val129=; no amino-acid change (valine 129 retained).
Molecular consequence: synonymous variant.
Genome position (GRCh38, 1-based): chr19:18,080,854, C>G on the plus strand (G>C on the coding strand, the complement: IL12RB1 is on the minus strand). VCF-style: chr19-18080854-C-G. GRCh37 (hg19) VCF-style: chr19-18191664-C-G.
Other names: c.387G>C, p.Val129= (NM_001290023.2, NM_153701.3); c.507G>C, p.Val169= (NM_001290024.2).
Identifiers: ClinVar variation 328599 (VCV000328599.19), dbSNP rs11086087, ClinGen allele CA9305239.

ClinVar aggregate classification (germline): Benign. Review status: criteria provided, multiple submitters, no conflicts (2 of 4 stars). 5 submissions from 5 submitters: Benign (5). Last evaluated 2026-02-04.

Conditions:
Mendelian susceptibility to mycobacterial diseases due to complete IL12RB1 deficiency. Also called: IL12RB1 DEFICIENCY; Immunodeficiency 30. Identifiers: Orphanet 319552, MedGen C4013949, MONDO:0013955, OMIM 614891.

Allele frequency attached by ClinVar (database versions not stated): ESP Exome Variant Server 0.09496; gnomAD 0.09792 and 0.10104; TOPMed 0.09852; gnomAD exomes 0.11063 and 0.11855; ExAC 0.11854; 1000 Genomes Project 30x 0.12555; 1000 Genomes Project 0.12999.
gnomAD v4.1: 177,145 of 1,610,028 alleles (11%); highest among the groups gnomAD compares: East Asian, 24%; 10,538 homozygotes.

Submissions (5):

Labcorp Genetics (formerly Invitae), Labcorp
Classification: Benign for Mendelian susceptibility to mycobacterial diseases due to complete IL12RB1 deficiency. Last evaluated: 2026-02-04. Review status: criteria provided, single submitter. Criteria: Invitae Variant Classification Sherloc (09022015). Collection method: clinical testing. Allele origin: germline.

Genome-Nilou Lab
Classification: Benign for Mendelian susceptibility to mycobacterial diseases due to complete IL12RB1 deficiency. Last evaluated: 2021-08-19. Review status: criteria provided, single submitter. Criteria: ACMG Guidelines, 2015. Collection method: clinical testing. Allele origin: germline. Affected: no.

Illumina Laboratory Services, Illumina
Classification: Benign for Mendelian susceptibility to mycobacterial diseases due to complete IL12RB1 deficiency. Last evaluated: 2018-01-13. Review status: criteria provided, single submitter. Criteria: ICSL Variant Classification Criteria 13 December 2019. Collection method: clinical testing. Allele origin: germline.
Comment: This variant was observed in the ICSL laboratory as part of a predisposition screen in an ostensibly healthy population. It had not been previously curated by ICSL or reported in the Human Gene Mutation Database (HGMD: prior to June 1st, 2018), and was therefore a candidate for classification through an automated scoring system. Utilizing variant allele frequency, disease prevalence and penetrance estimates, and inheritance mode, an automated score was calculated to assess if this variant is too frequent to cause the disease. Based on the score and internal cut-off values, a variant classified as benign is not then subjected to further curation. The score for this variant resulted in a classification of benign for this disease.

Laboratory for Molecular Medicine, Mass General Brigham Personalized Medicine
Classification: Benign. Last evaluated: 2016-03-29. Review status: criteria provided, single submitter. Criteria: LMM Criteria. Collection method: clinical testing. Allele origin: germline.
Comment: Variant identified in a genome or exome case(s) and assessed due to predicted null impact of the variant or pathogenic assertions in the literature or databases. Disclaimer: This variant has not undergone full assessment. The following are preliminary notes: Frequency

Breakthrough Genomics
Classification: Benign. Review status: criteria provided, single submitter. Criteria: ACMG Guidelines, 2015. Collection method: not provided. Allele origin: germline. Inheritance: Autosomal recessive inheritance. Affected: yes.